The following is an entry in ClinVar:

NM_017777.4(MKS1):c.917C>T (p.Thr306Ile)

Gene: MKS1 (MKS transition zone complex subunit 1; minus strand). Cytogenetic location: 17q22.
Variant type: single nucleotide variant.
Coding change: c.917C>T on transcript NM_017777.4 (MANE Select); coding-DNA position 917, C replaced by T.
Protein change: p.Thr306Ile; replaces threonine 306 with isoleucine.
Molecular consequence: missense variant.
Genome position (GRCh38, 1-based): chr17:58,211,021, G>A on the plus strand (C>T on the coding strand, the complement: MKS1 is on the minus strand). VCF-style: chr17-58211021-G-A. GRCh37 (hg19) VCF-style: chr17-56288382-G-A.
Other names: c.308C>T, p.Thr103Ile (NM_001321268.2); c.917C>T, p.Thr306Ile (NM_001321269.2, NM_001330397.2); short protein forms T306I, T103I.
Identifiers: ClinVar variation 596118 (VCV000596118.14), dbSNP rs1567799806, ClinGen allele CA400326174.

ClinVar aggregate classification (germline): Uncertain significance. Review status: criteria provided, multiple submitters, no conflicts (2 of 4 stars). 2 submissions from 2 submitters: Uncertain significance (2). Last evaluated 2020-09-26.

Conditions:
Meckel-Gruber syndrome. Also called: Dysencephalia splachnocystica; DYSENCEPHALIA SPLANCHNOCYSTICA; GRUBER SYNDROME. Identifiers: Orphanet 564, MedGen C0265215, MONDO:0018921.
Joubert syndrome. Also called: Familial aplasia of the vermis; CEREBELLOPARENCHYMAL DISORDER IV; JOUBERT-BOLTSHAUSER SYNDROME. Identifiers: Orphanet 475, MedGen C5979921, MONDO:0018772.

Submissions (2):

Labcorp Genetics (formerly Invitae), Labcorp
Classification: Uncertain significance for Joubert syndrome; Meckel-Gruber syndrome. Last evaluated: 2020-09-26. Review status: criteria provided, single submitter. Criteria: Invitae Variant Classification Sherloc (09022015). Collection method: clinical testing. Allele origin: germline.
Comment: This variant is not present in population databases (ExAC no frequency). In summary, the available evidence is currently insufficient to determine the role of this variant in disease. Therefore, it has been classified as a Variant of Uncertain Significance. Algorithms developed to predict the effect of missense changes on protein structure and function output the following: SIFT: "Tolerated"; PolyPhen-2: "Benign"; Align-GVGD: "Class C0". The isoleucine amino acid residue is found in multiple mammalian species, suggesting that this missense change does not adversely affect protein function. These predictions have not been confirmed by published functional studies and their clinical significance is uncertain. This variant has not been reported in the literature in individuals with MKS1-related conditions. ClinVar contains an entry for this variant (Variation ID: 596118). This sequence change replaces threonine with isoleucine at codon 306 of the MKS1 protein (p.Thr306Ile). The threonine residue is weakly conserved and there is a moderate physicochemical difference between threonine and isoleucine.

Eurofins Ntd Llc (ga)
Classification: Uncertain significance. Last evaluated: 2018-02-09. Review status: criteria provided, single submitter. Criteria: EGL ClinVar v180209 classification definitions. Collection method: clinical testing. Allele origin: germline. Observed: 1 variant allele, 1 heterozygote.